The following is an entry in ClinVar:

ClinVar aggregate classification (germline): Likely benign. Review status: criteria provided, multiple submitters, no conflicts (2 of 4 stars). 3 submissions from 3 submitters: Likely benign (2). 1 of the submissions does not count toward it. Last evaluated 2021-09-07.

Conditions:
ACOX2-related disorder. Also called: ACOX2-related condition.

Allele frequency attached by ClinVar (database versions not stated): ExAC 0.00002; gnomAD exomes 0.00002 and 0.00003; TOPMed 0.00004; gnomAD 0.00006.
gnomAD v4.1: 37 of 1,613,988 alleles (0.0023%); highest among the groups gnomAD compares: African/African-American, 0.027%; no homozygotes.

Submissions (3):

Labcorp Genetics (formerly Invitae), Labcorp
Classification: Likely benign. Last evaluated: 2021-09-07. Review status: criteria provided, single submitter. Criteria: Invitae Variant Classification Sherloc (09022015). Collection method: clinical testing. Allele origin: germline.

Breakthrough Genomics
Classification: Likely benign. Review status: criteria provided, single submitter. Criteria: ACMG Guidelines, 2015. Collection method: not provided. Allele origin: germline. Inheritance: Autosomal recessive inheritance. Affected: yes.

PreventionGenetics, part of Exact Sciences
Classification: Likely benign for ACOX2-related condition. Last evaluated: 2022-05-25. Review status: no assertion criteria provided. Collection method: clinical testing. Allele origin: germline. Not counted in ClinVar's aggregate classification.
Comment: This variant is classified as likely benign based on ACMG/AMP sequence variant interpretation guidelines (Richards et al. 2015 PMID: 25741868, with internal and published modifications).

NM_003500.4(ACOX2):c.1293G>A (p.Ser431=)

Gene: ACOX2 (acyl-CoA oxidase 2; minus strand). Cytogenetic location: 3p14.3.
Variant type: single nucleotide variant.
Coding change: c.1293G>A on transcript NM_003500.4 (MANE Select); coding-DNA position 1293, G replaced by A.
Protein change: p.Ser431=; no amino-acid change (serine 431 retained).
Molecular consequence: synonymous variant.
Genome position (GRCh38, 1-based): chr3:58,526,519, C>T on the plus strand (G>A on the coding strand, the complement: ACOX2 is on the minus strand). VCF-style: chr3-58526519-C-T. GRCh37 (hg19) VCF-style: chr3-58512246-C-T.
Other names: c.1293G>A (NM_003500.3).
Identifiers: ClinVar variation 1625636 (VCV001625636.11), dbSNP rs772915511, ClinGen allele CA2472110.